The following is an entry in ClinVar:

NM_001372.4(DNAH9):c.1465A>T (p.Met489Leu)

Gene: DNAH9 (dynein axonemal heavy chain 9; plus strand). Cytogenetic location: 17p12.
Variant type: single nucleotide variant.
Coding change: c.1465A>T on transcript NM_001372.4 (MANE Select); coding-DNA position 1465, A replaced by T.
Protein change: p.Met489Leu; replaces methionine 489 with leucine.
Molecular consequence: missense variant.
Genome position (GRCh38, 1-based): chr17:11,629,531, A>T. VCF-style: chr17-11629531-A-T. GRCh37 (hg19) VCF-style: chr17-11532848-A-T.
Other names: short protein forms M489L.
Identifiers: ClinVar variation 2879798 (VCV002879798.3), dbSNP rs2073029124, ClinGen allele CA398173602.

ClinVar aggregate classification (germline): Uncertain significance (1 of 4 stars; one submission).

Submission:

Labcorp Genetics (formerly Invitae), Labcorp
Classification: Uncertain significance. Last evaluated: 2023-06-09. Review status: criteria provided, single submitter. Criteria: Invitae Variant Classification Sherloc (09022015). Collection method: clinical testing. Allele origin: germline.
Comment: In summary, the available evidence is currently insufficient to determine the role of this variant in disease. Therefore, it has been classified as a Variant of Uncertain Significance. Advanced modeling of protein sequence and biophysical properties (such as structural, functional, and spatial information, amino acid conservation, physicochemical variation, residue mobility, and thermodynamic stability) performed at Invitae indicates that this missense variant is not expected to disrupt DNAH9 protein function. This variant has not been reported in the literature in individuals affected with DNAH9-related conditions. This variant is not present in population databases (gnomAD no frequency). This sequence change replaces methionine, which is neutral and non-polar, with leucine, which is neutral and non-polar, at codon 489 of the DNAH9 protein (p.Met489Leu).